The following is an entry in ClinVar:

ClinVar aggregate classification (germline): Uncertain significance. Review status: criteria provided, single submitter (1 of 4 stars). 2 submissions from 2 submitters: Uncertain significance (1). 1 of the submissions does not count toward it. Last evaluated 2021-08-11.

Conditions:
MC3R-related disorder. Also called: MC3R-related condition.

Submissions (2):

Blueprint Genetics
Classification: Uncertain significance. Last evaluated: 2021-08-11. Review status: criteria provided, single submitter. Criteria: ACMG Guidelines, 2015. Collection method: clinical testing. Allele origin: germline.

PreventionGenetics, part of Exact Sciences
Classification: Uncertain significance for MC3R-related condition. Last evaluated: 2024-03-05. Review status: no assertion criteria provided. Collection method: clinical testing. Allele origin: germline. Not counted in ClinVar's aggregate classification.
Comment: The MC3R c.152T>C variant is predicted to result in the amino acid substitution p.Val51Ala. To our knowledge, this variant has not been reported in the literature. This variant is reported in 0.00088% of alleles in individuals of European (Non-Finnish) descent in gnomAD. At this time, the clinical significance of this variant is uncertain due to the absence of conclusive functional and genetic evidence.

NM_019888.3(MC3R):c.152T>C (p.Val51Ala)

Gene: MC3R (melanocortin 3 receptor; plus strand). Cytogenetic location: 20q13.2.
Variant type: single nucleotide variant.
Coding change: c.152T>C on transcript NM_019888.3 (MANE Select); coding-DNA position 152, T replaced by C.
Protein change: p.Val51Ala; replaces valine 51 with alanine.
Molecular consequence: missense variant.
Genome position (GRCh38, 1-based): chr20:56,248,995, T>C. VCF-style: chr20-56248995-T-C. GRCh37 (hg19) VCF-style: chr20-54824051-T-C.
Other names: short protein forms V51A.
Identifiers: ClinVar variation 3344651 (VCV003344651.2).
Genomic context (GRCh38, chr20:56,248,995, plus strand): 5'-GCAGCGCCTTCTGTGAGCAGGTCTTCATCAAGCCCGAGGTTTTCCTGTCTCTGGGCATCG[T>C]CAGTCTGCTGGAAAACATCCTGGTTATCCTGGCCGTGGTCAGGAACGGCAACCTGCACTC-3'
Protein context (NP_063941.3, residues 41-61): KPEVFLSLGI[Val51Ala]SLLENILVIL